The following is an entry in ClinVar:

NM_002016.2(FLG):c.5101C>T (p.Gln1701Ter)

Genes: CCDST (cervical cancer associated DHX9 suppressive transcript; plus strand), FLG (filaggrin; minus strand). Cytogenetic location: 1q21.3.
Variant type: single nucleotide variant.
Coding change: c.5101C>T on transcript NM_002016.2 (MANE Select); coding-DNA position 5101, C replaced by T.
Protein change: p.Gln1701Ter; replaces glutamine 1701 with a stop codon.
Molecular consequence: nonsense.
Genome position (GRCh38, 1-based): chr1:152,309,785, G>A on the plus strand (C>T on the coding strand, the complement: FLG is on the minus strand). VCF-style: chr1-152309785-G-A. GRCh37 (hg19) VCF-style: chr1-152282261-G-A.
Other names: short protein forms Q1701*.
Identifiers: ClinVar variation 1804190 (VCV001804190.2), dbSNP rs145738429, ClinGen allele CA1105919.

ClinVar aggregate classification (germline): Pathogenic (1 of 4 stars; one submission).

Allele frequency attached by ClinVar (database versions not stated): 1000 Genomes Project 30x 0.00016; 1000 Genomes Project 0.00020.
gnomAD v4.1: 33 of 1,613,900 alleles (0.002%); highest among the groups gnomAD compares: East Asian, 0.067%; no homozygotes.

Submission:

GeneDx
Classification: Pathogenic. Last evaluated: 2022-12-06. Review status: criteria provided, single submitter. Criteria: GeneDx Variant Classification Process June 2021. Collection method: clinical testing. Allele origin: germline.
Comment: Nonsense variant predicted to result in protein truncation, as the last 2361 amino acids are lost, and other loss-of-function variants have been reported downstream in HGMD; This variant is associated with the following publications: (PMID: 24077912, 19037238, 27519469)